The following is an entry in ClinVar:

ClinVar aggregate classification (germline): Uncertain significance. Review status: criteria provided, multiple submitters, no conflicts (2 of 4 stars). 4 submissions from 4 submitters: Uncertain significance (4). Last evaluated 2025-11-08.

Conditions:
Hereditary cancer-predisposing syndrome. Also called: Neoplastic Syndromes, Hereditary; Tumor predisposition; Hereditary Cancer Syndrome; Hereditary neoplastic syndrome. Identifiers: Orphanet 140162, MedGen C0027672, MeSH D009386, MONDO:0015356.
Facial dysmorphism-immunodeficiency-livedo-short stature syndrome. Also called: Facial dysmorphism, immunodeficiency, livedo, and short stature; FILS syndrome. Identifiers: Orphanet 352712, MedGen C3554576, MONDO:0014058, OMIM 615139.
Intrauterine growth retardation, metaphyseal dysplasia, adrenal hypoplasia congenita, genital anomalies, and immunodeficiency. Also called: IMAGEI SYNDROME. Identifiers: MedGen C5193036, MONDO:0032684, OMIM 618336.
Colorectal cancer, susceptibility to, 12 (CRCS12). Also called: COLORECTAL CANCER, SUSCEPTIBILITY TO, ON CHROMOSOME 12q24. Identifiers: Orphanet 220460, MedGen C3554460, MONDO:0014038, OMIM 615083.

Submissions (4):

Ambry Genetics
Classification: Uncertain significance for Hereditary cancer-predisposing syndrome. Last evaluated: 2025-11-08. Review status: criteria provided, single submitter. Criteria: Ambry Variant Classification Scheme 2023. Collection method: clinical testing. Allele origin: germline.
Comment: The p.I1504F variant (also known as c.4510A>T), located in coding exon 35 of the POLE gene, results from an A to T substitution at nucleotide position 4510. The isoleucine at codon 1504 is replaced by phenylalanine, an amino acid with highly similar properties. This amino acid position is conserved. In addition, this alteration is predicted to be tolerated by in silico analysis. Since supporting evidence is limited at this time, the clinical significance of this alteration remains unclear.

Labcorp Genetics (formerly Invitae), Labcorp
Classification: Uncertain significance. Last evaluated: 2025-01-02. Review status: criteria provided, single submitter. Criteria: Invitae Variant Classification Sherloc (09022015). Collection method: clinical testing. Allele origin: germline.
Comment: This sequence change replaces isoleucine, which is neutral and non-polar, with phenylalanine, which is neutral and non-polar, at codon 1504 of the POLE protein (p.Ile1504Phe). This variant is not present in population databases (gnomAD no frequency). This variant has not been reported in the literature in individuals affected with POLE-related conditions. ClinVar contains an entry for this variant (Variation ID: 473669). Invitae Evidence Modeling of protein sequence and biophysical properties (such as structural, functional, and spatial information, amino acid conservation, physicochemical variation, residue mobility, and thermodynamic stability) indicates that this missense variant is not expected to disrupt POLE protein function with a negative predictive value of 80%. In summary, the available evidence is currently insufficient to determine the role of this variant in disease. Therefore, it has been classified as a Variant of Uncertain Significance.

GeneDx
Classification: Uncertain significance. Last evaluated: 2024-09-16. Review status: criteria provided, single submitter. Criteria: GeneDx Variant Classification Process June 2021. Collection method: clinical testing. Allele origin: germline. Affected: yes.
Comment: Not observed at significant frequency in large population cohorts (gnomAD); In silico analysis indicates that this missense variant does not alter protein structure/function; Has not been previously published as pathogenic or benign to our knowledge; This variant is associated with the following publications: (PMID: 29056344)

Fulgent Genetics
Classification: Uncertain significance for Colorectal cancer, susceptibility to, 12; Facial dysmorphism-immunodeficiency-livedo-short stature syndrome; Intrauterine growth retardation, metaphyseal dysplasia, adrenal hypoplasia congenita, genital anomalies, and immunodeficiency. Last evaluated: 2022-05-17. Review status: criteria provided, single submitter. Criteria: ACMG Guidelines, 2015. Collection method: clinical testing. Allele origin: unknown.

NM_006231.4(POLE):c.4510A>T (p.Ile1504Phe)

Gene: POLE (DNA polymerase epsilon, catalytic subunit; minus strand). Cytogenetic location: 12q24.33.
Variant type: single nucleotide variant.
Coding change: c.4510A>T on transcript NM_006231.4 (MANE Select); coding-DNA position 4510, A replaced by T.
Protein change: p.Ile1504Phe; replaces isoleucine 1504 with phenylalanine.
Molecular consequence: missense variant.
Genome position (GRCh38, 1-based): chr12:132,643,265, T>A on the plus strand (A>T on the coding strand, the complement: POLE is on the minus strand). VCF-style: chr12-132643265-T-A. GRCh37 (hg19) VCF-style: chr12-133219851-T-A.
Other names: short protein forms I1504F.
Identifiers: ClinVar variation 473669 (VCV000473669.14), dbSNP rs1555222899, ClinGen allele CA387380468.